The following is an entry in ClinVar:

NM_001365276.2(TNXB):c.662A>G (p.Asp221Gly)

Gene: TNXB (tenascin XB; minus strand). Cytogenetic location: 6p21.33.
Variant type: single nucleotide variant.
Coding change: c.662A>G on transcript NM_001365276.2 (MANE Select); coding-DNA position 662, A replaced by G.
Protein change: p.Asp221Gly; replaces aspartic acid 221 with glycine.
Molecular consequence: missense variant.
Genome position (GRCh38, 1-based): chr6:32,097,191, T>C on the plus strand (A>G on the coding strand, the complement: TNXB is on the minus strand). VCF-style: chr6-32097191-T-C. GRCh37 (hg19) VCF-style: chr6-32064968-T-C.
Other names: c.662A>G, p.Asp221Gly (NM_001428335.1, NM_019105.8); short protein forms D221G.
Identifiers: ClinVar variation 5031048 (VCV005031048.1).
Genomic context (GRCh38, chr6:32,097,191, plus strand): 5'-CCTGAGAAGCCTGCCCGGCACACACACACGCCCTGCACGCAGCGCCCACGGCCTTGGCAG[T>C]CCCCGGGACAGGATGGCCAGCCACAGCTGGGGCCAGTGTAGCCGGGAAAGCACACGCAAC-3'
Protein context (NP_001352205.1, residues 211-231): PSCGWPSCPG[Asp221Gly]CQGRGRCVQG

ClinVar aggregate classification (germline): Uncertain significance (1 of 4 stars; one submission).

Conditions:
Cardiovascular phenotype. Identifiers: MedGen CN230736.

Submission:

Ambry Genetics
Classification: Uncertain significance for Cardiovascular phenotype. Last evaluated: 2026-08-29. Review status: criteria provided, single submitter. Criteria: Ambry Variant Classification Scheme 2023. Collection method: clinical testing. Allele origin: germline.
Comment: The p.D221G variant (also known as c.662A>G), located in coding exon 2 of the TNXB gene, results from an A to G substitution at nucleotide position 662. The aspartic acid at codon 221 is replaced by glycine, an amino acid with similar properties. This amino acid position is conserved. In addition, this alteration is predicted to be tolerated by in silico analysis. Based on the available evidence, the clinical significance of this variant remains unclear.